The following is an entry in ClinVar:

NM_014028.4(OSTM1):c.280A>G (p.Ser94Gly)

Gene: OSTM1 (osteoclastogenesis associated transmembrane protein 1; minus strand). Cytogenetic location: 6q21.
Variant type: single nucleotide variant.
Coding change: c.280A>G on transcript NM_014028.4 (MANE Select); coding-DNA position 280, A replaced by G.
Protein change: p.Ser94Gly; replaces serine 94 with glycine.
Molecular consequence: missense variant.
Genome position (GRCh38, 1-based): chr6:108,074,372, T>C on the plus strand (A>G on the coding strand, the complement: OSTM1 is on the minus strand). VCF-style: chr6-108074372-T-C. GRCh37 (hg19) VCF-style: chr6-108395576-T-C.
Other names: short protein forms S94G.
Identifiers: ClinVar variation 905234 (VCV000905234.8), dbSNP rs369188843, ClinGen allele CA145661190.

ClinVar aggregate classification (germline): Uncertain significance. Review status: criteria provided, multiple submitters, no conflicts (2 of 4 stars). 2 submissions from 2 submitters: Uncertain significance (2). Last evaluated 2021-08-14.

Conditions:
Autosomal recessive osteopetrosis 5. Identifiers: Orphanet 85179, MedGen C1968603, MONDO:0009817, OMIM 259720.

Allele frequency attached by ClinVar (database versions not stated): gnomAD exomes 0.00001.
gnomAD v4.1: 4 of 1,596,170 alleles (0.00025%); highest among the groups gnomAD compares: East Asian, 0.0067%; no homozygotes.

Submissions (2):

Labcorp Genetics (formerly Invitae), Labcorp
Classification: Uncertain significance. Last evaluated: 2021-08-14. Review status: criteria provided, single submitter. Criteria: Invitae Variant Classification Sherloc (09022015). Collection method: clinical testing. Allele origin: germline.
Comment: This sequence change replaces serine with glycine at codon 94 of the OSTM1 protein (p.Ser94Gly). The serine residue is weakly conserved and there is a small physicochemical difference between serine and glycine. This variant is not present in population databases (ExAC no frequency). This variant has not been reported in the literature in individuals affected with OSTM1-related conditions. ClinVar contains an entry for this variant (Variation ID: 905234). Algorithms developed to predict the effect of missense changes on protein structure and function (SIFT, PolyPhen-2, Align-GVGD) all suggest that this variant is likely to be tolerated. In summary, the available evidence is currently insufficient to determine the role of this variant in disease. Therefore, it has been classified as a Variant of Uncertain Significance.

Illumina Laboratory Services, Illumina
Classification: Uncertain significance for Autosomal recessive osteopetrosis 5. Last evaluated: 2018-01-13. Review status: criteria provided, single submitter. Criteria: ICSL Variant Classification Criteria 13 December 2019. Collection method: clinical testing. Allele origin: germline.